The following is an entry in ClinVar:

NM_000400.4(ERCC2):c.1544-3C>T

Gene: ERCC2 (ERCC excision repair 2, TFIIH core complex helicase subunit; minus strand). Cytogenetic location: 19q13.32.
Variant type: single nucleotide variant.
Coding change: c.1544-3C>T on transcript NM_000400.4 (MANE Select); 3 bases into the intron before coding-DNA position 1544, C replaced by T.
Molecular consequence: intron variant.
Genome position (GRCh38, 1-based): chr19:45,354,854, G>A on the plus strand (C>T on the coding strand, the complement: ERCC2 is on the minus strand). VCF-style: chr19-45354854-G-A. GRCh37 (hg19) VCF-style: chr19-45858112-G-A.
Identifiers: ClinVar variation 1438676 (VCV001438676.3), dbSNP rs1008339130, ClinGen allele CA308954753.

ClinVar aggregate classification (germline): Uncertain significance (1 of 4 stars; one submission).

Allele frequency attached by ClinVar (database versions not stated): gnomAD 0.00001; gnomAD exomes below 0.00001; TOPMed 0.00002.

Submission:

Labcorp Genetics (formerly Invitae), Labcorp
Classification: Uncertain significance. Last evaluated: 2021-08-19. Review status: criteria provided, single submitter. Criteria: Invitae Variant Classification Sherloc (09022015). Collection method: clinical testing. Allele origin: germline.
Comment: This sequence change falls in intron 16 of the ERCC2 gene. It does not directly change the encoded amino acid sequence of the ERCC2 protein. It affects a nucleotide within the consensus splice site of the intron. This variant is not present in population databases (ExAC no frequency). This variant has not been reported in the literature in individuals affected with ERCC2-related conditions. Variants that disrupt the consensus splice site are a relatively common cause of aberrant splicing (PMID: 17576681, 9536098). Algorithms developed to predict the effect of sequence changes on RNA splicing suggest that this variant may disrupt the consensus splice site. In summary, the available evidence is currently insufficient to determine the role of this variant in disease. Therefore, it has been classified as a Variant of Uncertain Significance.

Literature cited by the submitters: PubMed 17576681; PubMed 9536098.